The following is an entry in ClinVar:

NM_001378418.1(TCF20):c.5308CAG[8] (p.Gln1774_Lys1775insGlnGlnGln)

Gene: TCF20 (transcription factor 20; minus strand). Cytogenetic location: 22q13.2.
Variant type: Microsatellite.
Coding change: c.5308CAG[8] on transcript NM_001378418.1 (MANE Select); eight copies in a row of the 3-base unit CAG starting at c.5308; the reference has five copies in a row; three copies, 9 bases duplicated.
Protein change: p.Gln1774_Lys1775insGlnGlnGln.
Molecular consequence: inframe insertion.
Genome position (GRCh38, 1-based): chr22:42,209,984-42,209,992, CTGCTGCTG duplicated on the plus strand (CAGCAGCAG on the coding strand, the reverse complement: TCF20 is on the minus strand); duplicating any 9 consecutive bases within chr22:42,209,984-42,210,000 gives the same sequence; the position shown is the placement nearest the transcript's 3' end. VCF-style (leftmost placement, unchanged base first): chr22-42209983-T-TCTGCTGCTG. GRCh37 (hg19) VCF-style: chr22-42605989-T-TCTGCTGCTG.
Other names: c.5308CAG[8], p.Gln1774_Lys1775insGlnGlnGln (NM_005650.4, NM_181492.3).
Identifiers: ClinVar variation 2099609 (VCV002099609.4), dbSNP rs745763431, ClinGen allele CA2580615325.

ClinVar aggregate classification (germline): Uncertain significance (1 of 4 stars; one submission).

Submission:

Labcorp Genetics (formerly Invitae), Labcorp
Classification: Uncertain significance. Last evaluated: 2024-11-05. Review status: criteria provided, single submitter. Criteria: Invitae Variant Classification Sherloc (09022015). Collection method: clinical testing. Allele origin: germline.
Comment: This variant, c.5314_5322dup, results in the insertion of 3 amino acid(s) of the TCF20 protein (p.Gln1772_Gln1774dup), but otherwise preserves the integrity of the reading frame. This variant is not present in population databases (gnomAD no frequency). This variant has not been reported in the literature in individuals affected with TCF20-related conditions. In summary, the available evidence is currently insufficient to determine the role of this variant in disease. Therefore, it has been classified as a Variant of Uncertain Significance.